The following is an entry in ClinVar:

NM_006361.6(HOXB13):c.236C>T (p.Pro79Leu)

Gene: HOXB13 (homeobox B13; minus strand). Cytogenetic location: 17q21.32.
Variant type: single nucleotide variant.
Coding change: c.236C>T on transcript NM_006361.6 (MANE Select); coding-DNA position 236, C replaced by T.
Protein change: p.Pro79Leu; replaces proline 79 with leucine.
Molecular consequence: missense variant.
Genome position (GRCh38, 1-based): chr17:48,728,358, G>A on the plus strand (C>T on the coding strand, the complement: HOXB13 is on the minus strand). VCF-style: chr17-48728358-G-A. GRCh37 (hg19) VCF-style: chr17-46805720-G-A.
Other names: p.Pro79Leu; c.236C>T (NM_006361.5); short protein forms P79L.
Identifiers: ClinVar variation 1010614 (VCV001010614.12), dbSNP rs958681537, ClinGen allele CA291350728.

ClinVar aggregate classification (germline): Uncertain significance. Review status: criteria provided, multiple submitters, no conflicts (2 of 4 stars). 3 submissions from 3 submitters: Uncertain significance (3). Last evaluated 2025-08-11.

Conditions:
Hereditary cancer-predisposing syndrome. Also called: Tumor predisposition; Hereditary neoplastic syndrome; Neoplastic Syndromes, Hereditary; Hereditary Cancer Syndrome. Identifiers: Orphanet 140162, MedGen C0027672, MeSH D009386, MONDO:0015356.

Allele frequency attached by ClinVar (database versions not stated): gnomAD exomes below 0.00001; TOPMed 0.00001; gnomAD 0.00002 and 0.00003.

Submissions (3):

Labcorp Genetics (formerly Invitae), Labcorp
Classification: Uncertain significance. Last evaluated: 2025-08-11. Review status: criteria provided, single submitter. Criteria: Invitae Variant Classification Sherloc (09022015). Collection method: clinical testing. Allele origin: germline.
Comment: This sequence change replaces proline, which is neutral and non-polar, with leucine, which is neutral and non-polar, at codon 79 of the HOXB13 protein (p.Pro79Leu). This variant is present in population databases (no rsID available, gnomAD 0.008%). This variant has not been reported in the literature in individuals affected with HOXB13-related conditions. ClinVar contains an entry for this variant (Variation ID: 1010614). Invitae Evidence Modeling of protein sequence and biophysical properties (such as structural, functional, and spatial information, amino acid conservation, physicochemical variation, residue mobility, and thermodynamic stability) indicates that this missense variant is not expected to disrupt HOXB13 protein function with a negative predictive value of 80%. In summary, the available evidence is currently insufficient to determine the role of this variant in disease. Therefore, it has been classified as a Variant of Uncertain Significance.

Ambry Genetics
Classification: Uncertain significance for Hereditary cancer-predisposing syndrome. Last evaluated: 2025-06-14. Review status: criteria provided, single submitter. Criteria: Ambry Variant Classification Scheme 2023. Collection method: clinical testing. Allele origin: germline.
Comment: The p.P79L variant (also known as c.236C>T), located in coding exon 1 of the HOXB13 gene, results from a C to T substitution at nucleotide position 236. The proline at codon 79 is replaced by leucine, an amino acid with similar properties. This amino acid position is conserved. In addition, the in silico prediction for this alteration is inconclusive. Since supporting evidence is limited at this time, the clinical significance of this alteration remains unclear.

Mayo Clinic Laboratories, Mayo Clinic
Classification: Uncertain significance. Last evaluated: 2022-03-15. Review status: criteria provided, single submitter. Criteria: ACMG Guidelines, 2015. Collection method: clinical testing. Allele origin: germline. Observed: 1 variant allele.
Comment: PM2